The following is an entry in ClinVar:

NM_001329943.3(KIAA0586):c.1964A>G (p.His655Arg)

Gene: KIAA0586 (KIAA0586; plus strand). Cytogenetic location: 14q23.1.
Variant type: single nucleotide variant.
Coding change: c.1964A>G on transcript NM_001329943.3 (MANE Select); coding-DNA position 1964, A replaced by G.
Protein change: p.His655Arg; replaces histidine 655 with arginine.
Molecular consequence: missense variant.
Genome position (GRCh38, 1-based): chr14:58,461,065, A>G. VCF-style: chr14-58461065-A-G. GRCh37 (hg19) VCF-style: chr14-58927783-A-G.
Other names: c.2123A>G, p.His708Arg (NM_001244189.2); c.1919A>G, p.His640Arg (NM_001244190.2); c.1709A>G, p.His570Arg (NM_001244191.2, NM_001329945.2, NM_001364700.1 and 1 more transcripts); c.1832A>G, p.His611Arg (NM_001244192.2); c.1544A>G, p.His515Arg (NM_001244193.2); c.1964A>G, p.His655Arg (NM_001329944.2, NM_001329946.2, NM_001329947.2); c.1736A>G, p.His579Arg (NM_014749.5); short protein forms H570R, H640R, H515R, H611R, H708R, H655R, H579R.
Identifiers: ClinVar variation 1355283 (VCV001355283.8), dbSNP rs769913250, ClinGen allele CA389872603.

ClinVar aggregate classification (germline): Uncertain significance (1 of 4 stars; one submission).

Conditions:
Joubert syndrome 23 (JBTS23). Identifiers: Orphanet 475, MedGen C4084822, MONDO:0014664, OMIM 616490.
Short-rib thoracic dysplasia 14 with polydactyly (SRTD14). Identifiers: Orphanet 397715, MedGen C4225286, MONDO:0014688, OMIM 616546.

gnomAD v4.1: 1 of 1,612,524 alleles (0.000062%); highest among the groups gnomAD compares: Non-Finnish European, 0.000085%; no homozygotes.

Submission:

Labcorp Genetics (formerly Invitae), Labcorp
Classification: Uncertain significance for Joubert syndrome 23; Short-rib thoracic dysplasia 14 with polydactyly. Last evaluated: 2022-01-15. Review status: criteria provided, single submitter. Criteria: Invitae Variant Classification Sherloc (09022015). Collection method: clinical testing. Allele origin: germline.
Comment: In summary, the available evidence is currently insufficient to determine the role of this variant in disease. Therefore, it has been classified as a Variant of Uncertain Significance. Algorithms developed to predict the effect of missense changes on protein structure and function are either unavailable or do not agree on the potential impact of this missense change (SIFT: "Deleterious"; PolyPhen-2: "Possibly Damaging"; Align-GVGD: "Class C0"). This variant has not been reported in the literature in individuals affected with KIAA0586-related conditions. This variant is not present in population databases (gnomAD no frequency). This sequence change replaces histidine, which is basic and polar, with arginine, which is basic and polar, at codon 708 of the KIAA0586 protein (p.His708Arg).